The following is an entry in ClinVar:

ClinVar aggregate classification (germline): Conflicting classifications of pathogenicity. Review status: criteria provided, conflicting classifications (1 of 4 stars). 5 submissions from 5 submitters: Uncertain significance (1); Likely benign (3). 1 of the submissions does not count toward it. Last evaluated 2026-01-12.

Conditions:
SOS2-related disorder. Also called: SOS2-related condition.
Cardiovascular phenotype. Identifiers: MedGen CN230736.
Noonan syndrome 9 (NS9). Identifiers: Orphanet 648, MedGen C4225282, MONDO:0014691, OMIM 616559.

Allele frequency attached by ClinVar (database versions not stated): TOPMed 0.00025; gnomAD exomes 0.00002 and 0.00007; ExAC 0.00014; gnomAD 0.00016 and 0.00015; ESP Exome Variant Server 0.00023; 1000 Genomes Project 30x 0.00016; 1000 Genomes Project 0.00020.
gnomAD v4.1: 59 of 1,610,004 alleles (0.0037%); highest among the groups gnomAD compares: Middle Eastern, 0.066%; no homozygotes.

Submissions (5):

Labcorp Genetics (formerly Invitae), Labcorp
Classification: Likely benign for Noonan syndrome 9. Last evaluated: 2026-01-12. Review status: criteria provided, single submitter. Criteria: Invitae Variant Classification Sherloc (09022015). Collection method: clinical testing. Allele origin: germline.

Ambry Genetics
Classification: Likely benign for Cardiovascular phenotype. Last evaluated: 2021-08-05. Review status: criteria provided, single submitter. Criteria: Ambry Variant Classification Scheme 2023. Collection method: clinical testing. Allele origin: germline.

Revvity Omics, Revvity
Classification: Uncertain significance for Noonan syndrome 9. Last evaluated: 2020-05-12. Review status: criteria provided, single submitter. Criteria: ACMG Guidelines, 2015. Collection method: clinical testing. Allele origin: germline.

Genome-Nilou Lab
Classification: Likely benign for Noonan syndrome 9. Review status: criteria provided, single submitter. Criteria: ACMG Guidelines, 2015. Collection method: clinical testing. Allele origin: germline.

PreventionGenetics, part of Exact Sciences
Classification: Likely benign for SOS2-related condition. Last evaluated: 2022-07-27. Review status: no assertion criteria provided. Collection method: clinical testing. Allele origin: germline. Not counted in ClinVar's aggregate classification.
Comment: This variant is classified as likely benign based on ACMG/AMP sequence variant interpretation guidelines (Richards et al. 2015 PMID: 25741868, with internal and published modifications).

NM_006939.4(SOS2):c.599A>G (p.Tyr200Cys)

Gene: SOS2 (SOS Ras/Rho guanine nucleotide exchange factor 2; minus strand). Cytogenetic location: 14q21.3.
Variant type: single nucleotide variant.
Coding change: c.599A>G on transcript NM_006939.4 (MANE Select); coding-DNA position 599, A replaced by G.
Protein change: p.Tyr200Cys; replaces tyrosine 200 with cysteine.
Molecular consequence: missense variant.
Genome position (GRCh38, 1-based): chr14:50,188,612, T>C on the plus strand (A>G on the coding strand, the complement: SOS2 is on the minus strand). VCF-style: chr14-50188612-T-C. GRCh37 (hg19) VCF-style: chr14-50655330-T-C.
Other names: c.599A>G (NM_006939.3); short protein forms Y200C.
Identifiers: ClinVar variation 767098 (VCV000767098.18), dbSNP rs148595463, ClinGen allele CA7177490.